The following is an entry in ClinVar:

ClinVar aggregate classification (germline): Uncertain significance (1 of 4 stars; one submission).

Conditions:
Cardiovascular phenotype. Identifiers: MedGen CN230736.

gnomAD v4.1: 1 of 1,272,984 alleles (0.000079%); highest among the groups gnomAD compares: Non-Finnish European, 0.000098%; no homozygotes.

Submission:

Ambry Genetics
Classification: Uncertain significance for Cardiovascular phenotype. Last evaluated: 2025-06-23. Review status: criteria provided, single submitter. Criteria: Ambry Variant Classification Scheme 2023. Collection method: clinical testing. Allele origin: germline.
Comment: The p.S133G variant (also known as c.397A>G), located in coding exon 1 of the GATA4 gene, results from an A to G substitution at nucleotide position 397. The serine at codon 133 is replaced by glycine, an amino acid with similar properties. This amino acid position is conserved. In addition, this alteration is predicted to be tolerated by in silico analysis. Based on the available evidence, the clinical significance of this variant remains unclear.

NM_001308093.3(GATA4):c.397A>G (p.Ser133Gly)

Gene: GATA4 (GATA binding protein 4). Cytogenetic location: 8p23.1.
Variant type: single nucleotide variant.
Coding change: c.397A>G on transcript NM_001308093.3 (MANE Select); coding-DNA position 397, A replaced by G.
Protein change: p.Ser133Gly; replaces serine 133 with glycine.
Molecular consequence: missense variant. On other transcripts: intron variant (3).
Genome position (GRCh38, 1-based): chr8:11,708,709, A>G. VCF-style: chr8-11708709-A-G. GRCh37 (hg19) VCF-style: chr8-11566218-A-G.
Other names: c.397A>G, p.Ser133Gly (NM_002052.5); c.-6+7931A>G (NM_001308094.2); c.-3+695A>G (NM_001374274.1); c.-3+4405A>G (NM_001374273.1); short protein forms S133G.
Identifiers: ClinVar variation 4262165 (VCV004262165.1).